The following is an entry in ClinVar:

NM_001365308.1(BMPER):c.787-3C>T

Gene: BMPER (BMP binding endothelial regulator; plus strand). Cytogenetic location: 7p14.3.
Variant type: single nucleotide variant.
Coding change: c.787-3C>T on transcript NM_001365308.1 (MANE Select); 3 bases into the intron before coding-DNA position 787, C replaced by T.
Molecular consequence: intron variant.
Genome position (GRCh38, 1-based): chr7:34,055,160, C>T. VCF-style: chr7-34055160-C-T. GRCh37 (hg19) VCF-style: chr7-34094772-C-T.
Other names: c.787-3C>T (NM_133468.5).
Identifiers: ClinVar variation 1429842 (VCV001429842.6), dbSNP rs2127961939, ClinGen allele CA2573142115.

ClinVar aggregate classification (germline): Uncertain significance (1 of 4 stars; one submission).

Submission:

Labcorp Genetics (formerly Invitae), Labcorp
Classification: Uncertain significance. Last evaluated: 2022-08-16. Review status: criteria provided, single submitter. Criteria: Invitae Variant Classification Sherloc (09022015). Collection method: clinical testing. Allele origin: germline.
Comment: This sequence change falls in intron 9 of the BMPER gene. It does not directly change the encoded amino acid sequence of the BMPER protein. It affects a nucleotide within the consensus splice site. This variant is not present in population databases (gnomAD no frequency). This variant has not been reported in the literature in individuals affected with BMPER-related conditions. ClinVar contains an entry for this variant (Variation ID: 1429842). Variants that disrupt the consensus splice site are a relatively common cause of aberrant splicing (PMID: 17576681, 9536098). Algorithms developed to predict the effect of sequence changes on RNA splicing suggest that this variant is not likely to affect RNA splicing. In summary, the available evidence is currently insufficient to determine the role of this variant in disease. Therefore, it has been classified as a Variant of Uncertain Significance.

Literature cited by the submitters: PubMed 17576681; PubMed 9536098.